The following is an entry in ClinVar:

ClinVar aggregate classification (germline): Uncertain significance. Review status: criteria provided, multiple submitters, no conflicts (2 of 4 stars). 3 submissions from 3 submitters: Uncertain significance (3). Last evaluated 2024-11-01.

Conditions:
Inborn genetic diseases. Identifiers: MedGen C0950123, MeSH D030342.
Early-infantile DEE. Also called: Early infantile epileptic encephalopathy; Ohtahara syndrome; Early infantile epileptic encephalopathy with suppression bursts. Identifiers: Orphanet 1934, MedGen C0393706, MONDO:0800491.

Allele frequency attached by ClinVar (database versions not stated): ExAC 0.00001; gnomAD 0.00001; gnomAD exomes 0.00001 and 0.00002; TOPMed 0.00001.
gnomAD v4.1: 22 of 1,609,590 alleles (0.0014%); highest among the groups gnomAD compares: Non-Finnish European, 0.0016%; no homozygotes.

Submissions (3):

CeGaT Center for Human Genetics Tuebingen
Classification: Uncertain significance. Last evaluated: 2024-11-01. Review status: criteria provided, single submitter. Criteria: CeGaT Center For Human Genetics Tuebingen Variant Classification Criteria Version 2. Collection method: clinical testing. Allele origin: germline. Affected: yes. Observed: 1 variant allele.

Labcorp Genetics (formerly Invitae), Labcorp
Classification: Uncertain significance for Early-infantile DEE. Last evaluated: 2022-11-22. Review status: criteria provided, single submitter. Criteria: Invitae Variant Classification Sherloc (09022015). Collection method: clinical testing. Allele origin: germline.
Comment: This sequence change replaces leucine, which is neutral and non-polar, with histidine, which is basic and polar, at codon 681 of the SCN8A protein (p.Leu681His). This variant is present in population databases (rs769132740, gnomAD 0.005%). In summary, the available evidence is currently insufficient to determine the role of this variant in disease. Therefore, it has been classified as a Variant of Uncertain Significance. Advanced modeling of protein sequence and biophysical properties (such as structural, functional, and spatial information, amino acid conservation, physicochemical variation, residue mobility, and thermodynamic stability) performed at Invitae indicates that this missense variant is not expected to disrupt SCN8A protein function. ClinVar contains an entry for this variant (Variation ID: 842595). This variant has not been reported in the literature in individuals affected with SCN8A-related conditions.

Ambry Genetics
Classification: Uncertain significance for Inborn genetic diseases. Last evaluated: 2017-10-27. Review status: criteria provided, single submitter. Criteria: Ambry Variant Classification Scheme 2023. Collection method: clinical testing. Allele origin: germline.
Comment: The p.L681H variant (also known as c.2042T>A), located in coding exon 12 of the SCN8A gene, results from a T to A substitution at nucleotide position 2042. The leucine at codon 681 is replaced by histidine, an amino acid with similar properties. This amino acid position is highly conserved in available vertebrate species. In addition, this alteration is predicted to be deleterious by in silico analysis. Since supporting evidence is limited at this time, the clinical significance of this alteration remains unclear.

NM_001330260.2(SCN8A):c.2042T>A (p.Leu681His)

Gene: SCN8A (sodium voltage-gated channel alpha subunit 8; plus strand). Cytogenetic location: 12q13.13.
Variant type: single nucleotide variant.
Coding change: c.2042T>A on transcript NM_001330260.2 (MANE Select); coding-DNA position 2042, T replaced by A.
Protein change: p.Leu681His; replaces leucine 681 with histidine.
Molecular consequence: missense variant.
Genome position (GRCh38, 1-based): chr12:51,745,946, T>A. VCF-style: chr12-51745946-T-A. GRCh37 (hg19) VCF-style: chr12-52139730-T-A.
Other names: c.2042T>A, p.Leu681His (NM_001177984.3, NM_001369788.1, NM_014191.4); short protein forms L681H.
Identifiers: ClinVar variation 842595 (VCV000842595.25), dbSNP rs769132740, ClinGen allele CA6571411.
Genomic context (GRCh38, chr12:51,745,946, plus strand): 5'-TTTTTTTTTTTTTAAAGGCTACAACTGAGGTGGAAATTAAGAAGAAAGGCCCTGGATCTC[T>A]TTTAGTTTCCATGGACCAATTAGCCTCCTACGGGCGGAAGGACAGAATCAACAGTATAAT-3'
Protein context (NP_001317189.1, residues 671-691): VEIKKKGPGS[Leu681His]LVSMDQLASY